The following is an entry in ClinVar:

ClinVar aggregate classification (germline): Pathogenic. Review status: criteria provided, multiple submitters, no conflicts (2 of 4 stars). 2 submissions from 2 submitters: Pathogenic (2). Last evaluated 2025-02-05.

Submissions (2):

GeneDx
Classification: Pathogenic. Last evaluated: 2025-02-05. Review status: criteria provided, single submitter. Criteria: GeneDx Variant Classification Process June 2021. Collection method: clinical testing. Allele origin: germline.
Comment: Nonsense variant predicted to result in protein truncation or nonsense mediated decay in a gene for which loss of function is a known mechanism of disease; Not observed at significant frequency in large population cohorts (gnomAD); Has not been previously published as pathogenic or benign to our knowledge

Labcorp Genetics (formerly Invitae), Labcorp
Classification: Pathogenic. Last evaluated: 2024-12-10. Review status: criteria provided, single submitter. Criteria: Invitae Variant Classification Sherloc (09022015). Collection method: clinical testing. Allele origin: germline.
Comment: This sequence change creates a premature translational stop signal (p.Tyr343*) in the DDX3X gene. It is expected to result in an absent or disrupted protein product. Loss-of-function variants in DDX3X are known to be pathogenic (PMID: 26235985). This variant is not present in population databases (gnomAD no frequency). This variant has not been reported in the literature in individuals affected with DDX3X-related conditions. For these reasons, this variant has been classified as Pathogenic.

Literature cited by the submitters: PubMed 26235985 (cited by Labcorp Genetics (formerly Invitae), Labcorp).

NM_001356.5(DDX3X):c.1029C>G (p.Tyr343Ter)

Gene: DDX3X (DEAD-box helicase 3 X-linked; plus strand). Cytogenetic location: Xp11.4.
Variant type: single nucleotide variant.
Coding change: c.1029C>G on transcript NM_001356.5 (MANE Select); coding-DNA position 1029, C replaced by G.
Protein change: p.Tyr343Ter; replaces tyrosine 343 with a stop codon.
Molecular consequence: nonsense. On other transcripts: non-coding transcript variant (1).
Genome position (GRCh38, 1-based): chrX:41,345,183, C>G. VCF-style: chrX-41345183-C-G. GRCh37 (hg19) VCF-style: chrX-41204436-C-G.
Other names: c.1029C>G, p.Tyr343Ter (NM_001193416.3); c.981C>G, p.Tyr327Ter (NM_001193417.3); c.471C>G, p.Tyr157Ter (NM_001363819.1); short protein forms Y157*, Y327*, Y343*.
Identifiers: ClinVar variation 3365241 (VCV003365241.4).